The following is an entry in ClinVar:

ClinVar aggregate classification (germline): Uncertain significance (1 of 4 stars; one submission).

Submission:

Ambry Genetics
Classification: Uncertain significance. Last evaluated: 2025-05-16. Review status: criteria provided, single submitter. Criteria: Ambry Variant Classification Scheme 2023. Collection method: clinical testing. Allele origin: germline.
Comment: The p.L960V variant (also known as c.2878C>G), located in coding exon 25 of the KIF1B gene, results from a C to G substitution at nucleotide position 2878. The leucine at codon 960 is replaced by valine, an amino acid with highly similar properties. This amino acid position is conserved. In addition, the in silico prediction for this alteration is inconclusive. Based on the available evidence, the clinical significance of this variant remains unclear.

NM_001365951.3(KIF1B):c.3016C>G (p.Leu1006Val)

Gene: KIF1B (kinesin family member 1B; plus strand). Cytogenetic location: 1p36.22.
Variant type: single nucleotide variant.
Coding change: c.3016C>G on transcript NM_001365951.3 (MANE Select); coding-DNA position 3016, C replaced by G.
Protein change: p.Leu1006Val; replaces leucine 1006 with valine.
Molecular consequence: missense variant.
Genome position (GRCh38, 1-based): chr1:10,334,611, C>G. VCF-style: chr1-10334611-C-G. GRCh37 (hg19) VCF-style: chr1-10394669-C-G.
Other names: c.3016C>G, p.Leu1006Val (NM_001365952.1); c.2878C>G, p.Leu960Val (NM_015074.3); short protein forms L960V, L1006V.
Identifiers: ClinVar variation 4043134 (VCV004043134.1).
Genomic context (GRCh38, chr1:10,334,611, plus strand): 5'-CCCGTGCCCCTGATCCACAGGGTGGCCATCGTCAGTGAGAAAGGTGAAGTGCGGGGATTT[C>G]TGCGTGTGGCTGTACAGGCCATCGCAGGTAGGTGACCCTCTTCTGAAATGAGAGCTGTGA-3'
Protein context (NP_001352880.1, residues 996-1016): VSEKGEVRGF[Leu1006Val]RVAVQAIAAD